The following is an entry in ClinVar:

NM_001042492.3(NF1):c.3398del (p.Gly1133fs)

Gene: NF1 (neurofibromin 1; plus strand). Cytogenetic location: 17q11.2.
Variant type: Deletion.
Coding change: c.3398del on transcript NM_001042492.3 (MANE Select); coding-DNA position 3398, one base deleted (G; older notation c.3398delG).
Protein change: p.Gly1133fs; shifts the reading frame from glycine 1133.
Molecular consequence: frameshift variant.
Genome position (GRCh38, 1-based): chr17:31,232,783, G deleted; the last of 2 consecutive G bases (chr17:31,232,782-31,232,783); deleting either gives the same sequence. VCF-style (leftmost placement, unchanged base first): chr17-31232781-TG-T. GRCh37 (hg19) VCF-style: chr17-29559799-TG-T.
Other names: c.3398delG, p.Gly1133Alafs (NM_000267.4); short protein forms G1133fs.
Identifiers: ClinVar variation 2045309 (VCV002045309.4), dbSNP rs2508231766, ClinGen allele CA645578914.

ClinVar aggregate classification (germline): Pathogenic (1 of 4 stars; one submission).

Conditions:
Neurofibromatosis, type 1 (NF1). Also called: Neurofibromatosis, type I; NEUROFIBROMATOSIS, TYPE I, SOMATIC; Peripheral type neurofibromatosis; VON RECKLINGHAUSEN DISEASE. Identifiers: Orphanet 636, MedGen C0027831, MONDO:0018975, OMIM 162200. Disease mechanism: loss of function.

Submission:

Labcorp Genetics (formerly Invitae), Labcorp
Classification: Pathogenic for Neurofibromatosis, type 1. Last evaluated: 2021-12-17. Review status: criteria provided, single submitter. Criteria: Invitae Variant Classification Sherloc (09022015). Collection method: clinical testing. Allele origin: germline.
Comment: For these reasons, this variant has been classified as Pathogenic. This variant has not been reported in the literature in individuals affected with NF1-related conditions. This variant is not present in population databases (gnomAD no frequency). This sequence change creates a premature translational stop signal (p.Gly1133Alafs*9) in the NF1 gene. It is expected to result in an absent or disrupted protein product. Loss-of-function variants in NF1 are known to be pathogenic (PMID: 10712197, 23913538).

Literature cited by the submitters: PubMed 10712197; PubMed 23913538.